The following is an entry in ClinVar:

ClinVar aggregate classification (germline): Uncertain significance. Review status: criteria provided, multiple submitters, no conflicts (2 of 4 stars). 2 submissions from 2 submitters: Uncertain significance (2). Last evaluated 2023-10-01.

Conditions:
Retinal dystrophy. Also called: Inherited retinal dystrophy. Identifiers: Orphanet 71862, MedGen C0854723, MeSH D058499, MONDO:0019118, HP:0000556.

Allele frequency attached by ClinVar (database versions not stated): gnomAD 0.00001; gnomAD exomes 0.00002.

Submissions (2):

Dept Of Ophthalmology, Nagoya University
Classification: Uncertain significance for Retinal dystrophy. Last evaluated: 2023-10-01. Review status: criteria provided, single submitter. Criteria: Submitter's publication. Collection method: research. Allele origin: germline. Affected: yes.

Labcorp Genetics (formerly Invitae), Labcorp
Classification: Uncertain significance. Last evaluated: 2022-08-29. Review status: criteria provided, single submitter. Criteria: Invitae Variant Classification Sherloc (09022015). Collection method: clinical testing. Allele origin: germline.
Comment: This sequence change replaces arginine, which is basic and polar, with cysteine, which is neutral and slightly polar, at codon 392 of the NR2E3 protein (p.Arg392Cys). This variant is present in population databases (no rsID available, gnomAD 0.006%). This variant has not been reported in the literature in individuals affected with NR2E3-related conditions. In summary, the available evidence is currently insufficient to determine the role of this variant in disease. Therefore, it has been classified as a Variant of Uncertain Significance.

NM_014249.4(NR2E3):c.1174C>T (p.Arg392Cys)

Gene: NR2E3 (nuclear receptor subfamily 2 group E member 3; plus strand). Cytogenetic location: 15q23.
Variant type: single nucleotide variant.
Coding change: c.1174C>T on transcript NM_014249.4 (MANE Select); coding-DNA position 1174, C replaced by T.
Protein change: p.Arg392Cys; replaces arginine 392 with cysteine.
Molecular consequence: missense variant.
Genome position (GRCh38, 1-based): chr15:71,817,625, C>T. VCF-style: chr15-71817625-C-T. GRCh37 (hg19) VCF-style: chr15-72109966-C-T.
Other names: short protein forms R392C.
Identifiers: ClinVar variation 2186211 (VCV002186211.2), dbSNP rs1486855176, ClinGen allele CA393041491.